The following is an entry in ClinVar:

NM_152416.4(NDUFAF6):c.499G>A (p.Ala167Thr)

Gene: NDUFAF6 (NADH:ubiquinone oxidoreductase complex assembly factor 6; plus strand). Cytogenetic location: 8q22.1.
Variant type: single nucleotide variant.
Coding change: c.499G>A on transcript NM_152416.4 (MANE Select); coding-DNA position 499, G replaced by A.
Protein change: p.Ala167Thr; replaces alanine 167 with threonine.
Molecular consequence: missense variant. On other transcripts: non-coding transcript variant (6).
Genome position (GRCh38, 1-based): chr8:95,045,566, G>A. VCF-style: chr8-95045566-G-A. GRCh37 (hg19) VCF-style: chr8-96057794-G-A.
Other names: c.223G>A, p.Ala75Thr (NM_001330582.2, NM_001354514.2, NM_001354515.2 and 1 more transcripts); c.343G>A, p.Ala115Thr (NM_001354516.2); c.166G>A, p.Ala56Thr (NM_001354517.2, NM_001354518.2, NM_001354519.2 and 1 more transcripts); c.43G>A, p.Ala15Thr (NM_001354522.2, NM_001354524.2, NM_001354525.2 and 7 more transcripts); short protein forms A167T, A56T, A115T, A15T, A75T.
Identifiers: ClinVar variation 1489000 (VCV001489000.8), dbSNP rs2131886983, ClinGen allele CA371745760.

ClinVar aggregate classification (germline): Uncertain significance (1 of 4 stars; one submission).

Submission:

Labcorp Genetics (formerly Invitae), Labcorp
Classification: Uncertain significance. Last evaluated: 2022-12-06. Review status: criteria provided, single submitter. Criteria: Invitae Variant Classification Sherloc (09022015). Collection method: clinical testing. Allele origin: germline.
Comment: This variant is not present in population databases (gnomAD no frequency). This variant has not been reported in the literature in individuals affected with NDUFAF6-related conditions. ClinVar contains an entry for this variant (Variation ID: 1489000). Advanced modeling of protein sequence and biophysical properties (such as structural, functional, and spatial information, amino acid conservation, physicochemical variation, residue mobility, and thermodynamic stability) performed at Invitae indicates that this missense variant is not expected to disrupt NDUFAF6 protein function. In summary, the available evidence is currently insufficient to determine the role of this variant in disease. Therefore, it has been classified as a Variant of Uncertain Significance. This sequence change replaces alanine, which is neutral and non-polar, with threonine, which is neutral and polar, at codon 167 of the NDUFAF6 protein (p.Ala167Thr).